The following is an entry in ClinVar:

NM_000321.3(RB1):c.194dup (p.Ile66fs)

Gene: RB1 (RB transcriptional corepressor 1; plus strand). Cytogenetic location: 13q14.2.
Variant type: Duplication.
Coding change: c.194dup on transcript NM_000321.3 (MANE Select); coding-DNA position 194, one base duplicated (A; older notation c.194dupA).
Protein change: p.Ile66fs; shifts the reading frame from isoleucine 66.
Molecular consequence: frameshift variant.
Genome position (GRCh38, 1-based): chr13:48,307,336, A duplicated; the last of 3 consecutive A bases (chr13:48,307,334-48,307,336); duplicating any one gives the same sequence. VCF-style (leftmost placement, unchanged base first): chr13-48307333-T-TA. GRCh37 (hg19) VCF-style: chr13-48881469-T-TA.
Other names: c.194dup, p.Ile66fs (NM_001407165.1, NM_001407166.1, NM_001407167.1); c.194dupA (NM_000321.2); short protein forms I66fs.
Identifiers: ClinVar variation 4151190 (VCV004151190.1).
Genomic context (GRCh38, chr13:48,307,333, plus strand): 5'-TTGGTAGGCTTGAGTTTGAAGAAACAGAAGAACCTGATTTTACTGCATTATGTCAGAAAT[T>TA]AAAGATACCAGATCATGTCAGAGAGAGAGCTTGGTTAACTTGGGAGAAAGTTTCATCTGT-3'

ClinVar aggregate classification (germline): Pathogenic (1 of 4 stars; one submission).

Conditions:
Hereditary cancer-predisposing syndrome. Also called: Hereditary neoplastic syndrome; Neoplastic Syndromes, Hereditary; Tumor predisposition; Hereditary Cancer Syndrome. Identifiers: Orphanet 140162, MedGen C0027672, MeSH D009386, MONDO:0015356.

Submission:

Ambry Genetics
Classification: Pathogenic for Hereditary cancer-predisposing syndrome. Last evaluated: 2025-07-09. Review status: criteria provided, single submitter. Criteria: Ambry Variant Classification Scheme 2023. Collection method: clinical testing. Allele origin: germline.
Comment: The c.194dupA pathogenic mutation, located in coding exon 2 of the RB1 gene, results from a duplication of A at nucleotide position 194, causing a translational frameshift with a predicted alternate stop codon (p.I66Dfs*44). This variant was reported in an individual with features consistent with RB1-related hereditary retinoblastoma (Lohmann DR et al. Hum Mol Genet, 1994 Dec;3:2187-93). This variant is considered to be rare based on population cohorts in the Genome Aggregation Database (gnomAD). This alteration is expected to result in loss of function by premature protein truncation or nonsense-mediated mRNA decay. As such, this alteration is interpreted as a disease-causing mutation.

Literature cited by the submitters: PubMed 7881418.